The following is an entry in ClinVar:

NM_006445.4(PRPF8):c.3666G>A (p.Lys1222=)

Gene: PRPF8 (pre-mRNA processing factor 8; minus strand). Cytogenetic location: 17p13.3.
Variant type: single nucleotide variant.
Coding change: c.3666G>A on transcript NM_006445.4 (MANE Select); coding-DNA position 3666, G replaced by A.
Protein change: p.Lys1222=; no amino-acid change (lysine 1222 retained).
Molecular consequence: synonymous variant.
Genome position (GRCh38, 1-based): chr17:1,673,189, C>T on the plus strand (G>A on the coding strand, the complement: PRPF8 is on the minus strand). VCF-style: chr17-1673189-C-T. GRCh37 (hg19) VCF-style: chr17-1576483-C-T.
Identifiers: ClinVar variation 889759 (VCV000889759.10), dbSNP rs549397527, ClinGen allele CA8271814.

ClinVar aggregate classification (germline): Conflicting classifications of pathogenicity. Review status: criteria provided, conflicting classifications (1 of 4 stars). 4 submissions from 4 submitters: Uncertain significance (1); Likely benign (3). Last evaluated 2024-11-15.

Conditions:
PRPF8-related disorder. Also called: PRPF8-related condition.
Retinitis pigmentosa (RP). Identifiers: Orphanet 791, MedGen C0035334, MeSH D012174, MONDO:0019200, OMIM 268000. Inheritance: Autosomal dominant, autosomal recessive and X linked inheritance.

Allele frequency attached by ClinVar (database versions not stated): gnomAD below 0.00001 and 0.00001; gnomAD exomes 0.00001 and 0.00004; ExAC 0.00004; 1000 Genomes Project 30x 0.00016; 1000 Genomes Project 0.00020.
gnomAD v4.1: 20 of 1,614,170 alleles (0.0012%); highest among the groups gnomAD compares: South Asian, 0.021%; no homozygotes.

Submissions (4):

PreventionGenetics, part of Exact Sciences
Classification: Likely benign for PRPF8-related condition. Last evaluated: 2024-11-15. Review status: criteria provided, single submitter. Criteria: ACMG Guidelines, 2015. Collection method: clinical testing. Allele origin: germline.
Comment: This variant is classified as likely benign based on ACMG/AMP sequence variant interpretation guidelines (Richards et al. 2015 PMID: 25741868, with internal and published modifications).

Blueprint Genetics
Classification: Likely benign. Last evaluated: 2024-07-02. Review status: criteria provided, single submitter. Criteria: ACMG Guidelines, 2015. Collection method: clinical testing. Allele origin: germline.

Labcorp Genetics (formerly Invitae), Labcorp
Classification: Likely benign. Last evaluated: 2022-05-27. Review status: criteria provided, single submitter. Criteria: Invitae Variant Classification Sherloc (09022015). Collection method: clinical testing. Allele origin: germline.

Illumina Laboratory Services, Illumina
Classification: Uncertain significance for Retinitis pigmentosa. Last evaluated: 2018-01-13. Review status: criteria provided, single submitter. Criteria: ICSL Variant Classification Criteria 13 December 2019. Collection method: clinical testing. Allele origin: germline.